The following is an entry in ClinVar:

NM_015346.4(ZFYVE26):c.4936C>T (p.Arg1646Ter)

Gene: ZFYVE26 (zinc finger FYVE-type containing 26; minus strand). Cytogenetic location: 14q24.1.
Variant type: single nucleotide variant.
Coding change: c.4936C>T on transcript NM_015346.4 (MANE Select); coding-DNA position 4936, C replaced by T.
Protein change: p.Arg1646Ter; replaces arginine 1646 with a stop codon.
Molecular consequence: nonsense.
Genome position (GRCh38, 1-based): chr14:67,777,597, G>A on the plus strand (C>T on the coding strand, the complement: ZFYVE26 is on the minus strand). VCF-style: chr14-67777597-G-A. GRCh37 (hg19) VCF-style: chr14-68244314-G-A.
Other names: short protein forms R1646*.
Identifiers: ClinVar variation 458286 (VCV000458286.10), dbSNP rs768366199, ClinGen allele CA7239638.

ClinVar aggregate classification (germline): Pathogenic. Review status: criteria provided, multiple submitters, no conflicts (2 of 4 stars). 2 submissions from 2 submitters: Pathogenic (2). Last evaluated 2024-08-29.

Conditions:
Spastic paraplegia. Identifiers: MedGen C0037772, HP:0001258.

Allele frequency attached by ClinVar (database versions not stated): TOPMed below 0.00001; ExAC 0.00001; gnomAD 0.00001.
gnomAD v4.1: 12 of 1,613,954 alleles (0.00074%); highest among the groups gnomAD compares: South Asian, 0.0022%; no homozygotes.

Submissions (2):

Athena Diagnostics
Classification: Pathogenic. Last evaluated: 2024-08-29. Review status: criteria provided, single submitter. Criteria: Athena Diagnostics Criteria. Collection method: clinical testing. Allele origin: unknown.
Comment: This variant is expected to result in the loss of a functional protein. The frequency of this variant in the general population is consistent with pathogenicity. This variant has been identified in at least one individual with clinical features associated with this gene.

Labcorp Genetics (formerly Invitae), Labcorp
Classification: Pathogenic for Spastic paraplegia. Last evaluated: 2024-02-19. Review status: criteria provided, single submitter. Criteria: Invitae Variant Classification Sherloc (09022015). Collection method: clinical testing. Allele origin: germline.
Comment: This sequence change creates a premature translational stop signal (p.Arg1646*) in the ZFYVE26 gene. It is expected to result in an absent or disrupted protein product. Loss-of-function variants in ZFYVE26 are known to be pathogenic (PMID: 18394578, 19805727). This variant is present in population databases (rs768366199, gnomAD 0.002%). This variant has not been reported in the literature in individuals affected with ZFYVE26-related conditions. ClinVar contains an entry for this variant (Variation ID: 458286). For these reasons, this variant has been classified as Pathogenic.

Literature cited by the submitters: PubMed 36315648 (cited by Athena Diagnostics); PubMed 18394578 (cited by Labcorp Genetics (formerly Invitae), Labcorp); PubMed 19805727 (cited by Labcorp Genetics (formerly Invitae), Labcorp).